The following is an entry in ClinVar:

NM_144596.4(TTC8):c.1215T>G (p.His405Gln)

Gene: TTC8 (tetratricopeptide repeat domain 8; plus strand). Cytogenetic location: 14q31.3.
Variant type: single nucleotide variant.
Coding change: c.1215T>G on transcript NM_144596.4 (MANE Select); coding-DNA position 1215, T replaced by G.
Protein change: p.His405Gln; replaces histidine 405 with glutamine.
Molecular consequence: missense variant. On other transcripts: non-coding transcript variant (1).
Genome position (GRCh38, 1-based): chr14:88,871,714, T>G. VCF-style: chr14-88871714-T-G. GRCh37 (hg19) VCF-style: chr14-89338058-T-G.
Other names: c.1263T>G, p.His421Gln (NM_001288781.1); c.621T>G, p.His207Gln (NM_001288782.1); c.498T>G, p.His166Gln (NM_001288783.1); c.1185T>G, p.His395Gln (NM_001366535.2, NM_198309.3); c.1095T>G, p.His365Gln (NM_001366536.2, NM_198310.3); c.1215T>G (NM_144596.3); short protein forms H365Q, H421Q, H395Q, H166Q, H207Q, H405Q.
Identifiers: ClinVar variation 968395 (VCV000968395.10), dbSNP rs753212470, ClinGen allele CA7302683.

ClinVar aggregate classification (germline): Uncertain significance. Review status: criteria provided, multiple submitters, no conflicts (2 of 4 stars). 4 submissions from 4 submitters: Uncertain significance (4). Last evaluated 2026-05-08.

Conditions:
TTC8-related disorder. Also called: TTC8-related condition.
Bardet-Biedl syndrome (BBS). Identifiers: Orphanet 110, MedGen C0752166, MONDO:0015229.
Bardet-Biedl syndrome 8 (BBS8). Identifiers: Orphanet 110, MedGen C1859566, MONDO:0014436, OMIM 615985.
Retinitis pigmentosa 51 (RP51). Identifiers: Orphanet 791, MedGen C3150715, MONDO:0013274, OMIM 613464.

Allele frequency attached by ClinVar (database versions not stated): gnomAD 0.00001; gnomAD exomes 0.00002 and 0.00003; TOPMed 0.00002; ExAC 0.00003.
gnomAD v4.1: 33 of 1,613,970 alleles (0.002%); highest among the groups gnomAD compares: Non-Finnish European, 0.0025%; no homozygotes.

Submissions (4):

PreventionGenetics, part of Exact Sciences
Classification: Uncertain significance for TTC8-related condition. Last evaluated: 2026-05-08. Review status: criteria provided, single submitter. Criteria: ACMG Guidelines, 2015. Collection method: clinical testing. Allele origin: germline.
Comment: The TTC8 c.1215T>G variant is predicted to result in the amino acid substitution p.His405Gln. To our knowledge, this variant has not been reported in the literature. This variant is reported in 0.0062% of alleles in individuals of European (Non-Finnish) descent in gnomAD. At this time, the clinical significance of this variant is uncertain due to the absence of conclusive functional and genetic evidence.

Blueprint Genetics
Classification: Uncertain significance. Last evaluated: 2024-08-06. Review status: criteria provided, single submitter. Criteria: ACMG Guidelines, 2015. Collection method: clinical testing. Allele origin: germline.

Fulgent Genetics
Classification: Uncertain significance for Retinitis pigmentosa 51; Bardet-Biedl syndrome 8. Last evaluated: 2022-01-14. Review status: criteria provided, single submitter. Criteria: ACMG Guidelines, 2015. Collection method: clinical testing. Allele origin: unknown.

Labcorp Genetics (formerly Invitae), Labcorp
Classification: Uncertain significance for Bardet-Biedl syndrome. Last evaluated: 2021-09-01. Review status: criteria provided, single submitter. Criteria: Invitae Variant Classification Sherloc (09022015). Collection method: clinical testing. Allele origin: germline.
Comment: This sequence change replaces histidine with glutamine at codon 395 of the TTC8 protein (p.His395Gln). The histidine residue is moderately conserved and there is a small physicochemical difference between histidine and glutamine. This variant is present in population databases (rs753212470, ExAC 0.006%). This variant has not been reported in the literature in individuals affected with TTC8-related conditions. Algorithms developed to predict the effect of missense changes on protein structure and function (SIFT, PolyPhen-2, Align-GVGD) all suggest that this variant is likely to be tolerated. Algorithms developed to predict the effect of sequence changes on RNA splicing suggest that this variant may create or strengthen a splice site. In summary, the available evidence is currently insufficient to determine the role of this variant in disease. Therefore, it has been classified as a Variant of Uncertain Significance.